The following is an entry in ClinVar:

ClinVar aggregate classification (germline): Conflicting classifications of pathogenicity. Review status: criteria provided, conflicting classifications (1 of 4 stars). 5 submissions from 5 submitters: Uncertain significance (4); Likely benign (1). Last evaluated 2025-07-29.

Conditions:
VCAN-related disorder. Also called: VCAN-related condition.
Inborn genetic diseases. Identifiers: MedGen C0950123, MeSH D030342.

Allele frequency attached by ClinVar (database versions not stated): ExAC 0.00005; gnomAD 0.00005 and 0.00006; gnomAD exomes 0.00006; TOPMed 0.00006.
gnomAD v4.1: 268 of 1,613,940 alleles (0.017%); highest among the groups gnomAD compares: Non-Finnish European, 0.022%; no homozygotes.

Submissions (5):

Labcorp Genetics (formerly Invitae), Labcorp
Classification: Uncertain significance. Last evaluated: 2025-07-29. Review status: criteria provided, single submitter. Criteria: Invitae Variant Classification Sherloc (09022015). Collection method: clinical testing. Allele origin: germline.
Comment: This sequence change replaces serine, which is neutral and polar, with arginine, which is basic and polar, at codon 569 of the VCAN protein (p.Ser569Arg). This variant is present in population databases (rs766131650, gnomAD 0.01%). This variant has not been reported in the literature in individuals affected with VCAN-related conditions. ClinVar contains an entry for this variant (Variation ID: 198512). An algorithm developed to predict the effect of missense changes on protein structure and function outputs the following: PolyPhen-2: "Benign". The arginine amino acid residue is found in multiple mammalian species, which suggests that this missense change does not adversely affect protein function. In summary, the available evidence is currently insufficient to determine the role of this variant in disease. Therefore, it has been classified as a Variant of Uncertain Significance.

PreventionGenetics, part of Exact Sciences
Classification: Uncertain significance for VCAN-related condition. Last evaluated: 2025-05-22. Review status: criteria provided, single submitter. Criteria: ACMG Guidelines, 2015. Collection method: clinical testing. Allele origin: germline.
Comment: The VCAN c.1707C>G variant is predicted to result in the amino acid substitution p.Ser569Arg. To our knowledge, this variant has not been reported in the literature. This variant is reported in 0.012% of alleles in individuals of African descent in gnomAD. At this time, the clinical significance of this variant is uncertain due to the absence of conclusive functional and genetic evidence.

Ambry Genetics
Classification: Uncertain significance for Inborn genetic diseases. Last evaluated: 2023-12-21. Review status: criteria provided, single submitter. Criteria: Ambry Variant Classification Scheme 2023. Collection method: clinical testing. Allele origin: germline.

Blueprint Genetics
Classification: Likely benign. Last evaluated: 2022-02-22. Review status: criteria provided, single submitter. Criteria: ACMG Guidelines, 2015. Collection method: clinical testing. Allele origin: germline.

Eurofins Ntd Llc (ga)
Classification: Uncertain significance. Last evaluated: 2015-02-12. Review status: criteria provided, single submitter. Criteria: EGL Classification Definitions 2015. Collection method: clinical testing. Allele origin: germline. Observed: 1 variant allele, 1 heterozygote.

NM_004385.5(VCAN):c.1707C>G (p.Ser569Arg)

Gene: VCAN (versican; plus strand). Cytogenetic location: 5q14.3.
Variant type: single nucleotide variant.
Coding change: c.1707C>G on transcript NM_004385.5 (MANE Select); coding-DNA position 1707, C replaced by G.
Protein change: p.Ser569Arg; replaces serine 569 with arginine.
Molecular consequence: missense variant. On other transcripts: intron variant (2).
Genome position (GRCh38, 1-based): chr5:83,520,013, C>G. VCF-style: chr5-83520013-C-G. GRCh37 (hg19) VCF-style: chr5-82815832-C-G.
Other names: c.1707C>G, p.Ser569Arg (NM_001164098.2); c.1042+7617C>G (NM_001164097.2, NM_001126336.3); short protein forms S569R.
Identifiers: ClinVar variation 198512 (VCV000198512.17), dbSNP rs766131650, ClinGen allele CA247193.